The following is an entry in ClinVar:

ClinVar aggregate classification (germline): Conflicting classifications of pathogenicity. Review status: criteria provided, conflicting classifications (1 of 4 stars). 9 submissions from 9 submitters: Uncertain significance (6); Likely benign (1). 2 of the submissions do not count toward it. Last evaluated 2025-10-01.

Conditions:
Hereditary cancer-predisposing syndrome. Also called: Hereditary Cancer Syndrome; Neoplastic Syndromes, Hereditary; Hereditary neoplastic syndrome; Tumor predisposition. Identifiers: Orphanet 140162, MedGen C0027672, MeSH D009386, MONDO:0015356.
Hereditary breast ovarian cancer syndrome. Also called: Breast and ovarian cancer; Hereditary breast and/or ovarian cancer syndrome; Hereditary breast and ovarian cancer; Hereditary breast and ovarian cancer syndrome; Hereditary breast and ovarian cancer syndrome (HBOC); BRCA1- and BRCA2-Associated Hereditary Breast and Ovarian Cancer. Identifiers: Orphanet 145, MedGen C0677776, MeSH D061325, MONDO:0003582. Disease mechanism: loss of function.
Breast-ovarian cancer, familial, susceptibility to, 2 (BROVCA2). Also called: BRCA2 Hereditary Breast and Ovarian Cancer. Identifiers: Orphanet 145, MedGen C2675520, MONDO:0012933, OMIM 612555. Disease mechanism: loss of function.

Submissions (9):

Labcorp Genetics (formerly Invitae), Labcorp
Classification: Uncertain significance for Hereditary breast ovarian cancer syndrome. Last evaluated: 2025-10-01. Review status: criteria provided, single submitter. Criteria: Invitae Variant Classification Sherloc (09022015). Collection method: clinical testing. Allele origin: germline.
Comment: This sequence change replaces asparagine, which is neutral and polar, with serine, which is neutral and polar, at codon 570 of the BRCA2 protein (p.Asn570Ser). This variant is not present in population databases (gnomAD no frequency). This missense change has been observed in individual(s) with breast cancer (PMID: 29021639). ClinVar contains an entry for this variant (Variation ID: 96768). Invitae Evidence Modeling of protein sequence and biophysical properties (such as structural, functional, and spatial information, amino acid conservation, physicochemical variation, residue mobility, and thermodynamic stability) indicates that this missense variant is not expected to disrupt BRCA2 protein function with a negative predictive value of 95%. In summary, the available evidence is currently insufficient to determine the role of this variant in disease. Therefore, it has been classified as a Variant of Uncertain Significance.

Ambry Genetics
Classification: Uncertain significance for Hereditary cancer-predisposing syndrome. Last evaluated: 2024-02-23. Review status: criteria provided, single submitter. Criteria: Ambry Variant Classification Scheme 2023. Collection method: clinical testing. Allele origin: germline.
Comment: The p.N570S variant (also known as c.1709A>G), located in coding exon 9 of the BRCA2 gene, results from an A to G substitution at nucleotide position 1709. The asparagine at codon 570 is replaced by serine, an amino acid with highly similar properties. This alteration has been reported in a cohort of 853 individual referred for BRCA1 and BRCA2 testing (Brice&ntilde;o-Balc&aacute;zar I et al. Colomb. Med., 2017 Jun;48:58-63). This amino acid position is poorly conserved in available vertebrate species. In addition, this alteration is predicted to be tolerated by in silico analysis. Since supporting evidence is limited at this time, the clinical significance of this alteration remains unclear.

University of Washington Department of Laboratory Medicine, University of Washington
Classification: Likely benign for Hereditary cancer-predisposing syndrome. Last evaluated: 2023-03-23. Review status: criteria provided, single submitter. Criteria: Dines et al. (Genet Med. 2020). Collection method: curation. Allele origin: germline.
Comment: Missense variant in a coldspot region where missense variants are very unlikely to be pathogenic (PMID:31911673).

BRCA2 exon 10 coldspot. Reclassification based on statistical prior probability.

Mayo Clinic Laboratories, Mayo Clinic
Classification: Uncertain significance. Last evaluated: 2022-04-14. Review status: criteria provided, single submitter. Criteria: ACMG Guidelines, 2015. Collection method: clinical testing. Allele origin: germline. Observed: 1 variant allele.
Comment: BP4, PM2

Color Diagnostics, LLC DBA Color Health
Classification: Uncertain significance for Hereditary cancer-predisposing syndrome. Last evaluated: 2021-10-11. Review status: criteria provided, single submitter. Criteria: ACMG Guidelines, 2015. Collection method: clinical testing. Allele origin: germline.
Comment: This missense variant replaces asparagine with serine at codon 570 of the BRCA2 protein. Computational prediction suggests that this variant may not impact protein structure and function (internally defined REVEL score threshold <= 0.5, PMID: 27666373). To our knowledge, functional studies have not been reported for this variant. This variant has been reported in an individual affected with breast cancer (PMID: 29021639) and in a breast cancer case-control meta-analysis in 1/53460 unaffected individuals and absent in 60466 cases (PMID: 33471991; Leiden Open Variation Database DB-ID BRCA2_005818). This variant has not been identified in the general population by the Genome Aggregation Database (gnomAD). The available evidence is insufficient to determine the role of this variant in disease conclusively. Therefore, this variant is classified as a Variant of Uncertain Significance.

Quest Diagnostics Nichols Institute San Juan Capistrano
Classification: Uncertain significance. Last evaluated: 2020-01-16. Review status: criteria provided, single submitter. Criteria: Quest Diagnostics criteria. Collection method: clinical testing. Allele origin: unknown.

GeneDx
Classification: Uncertain significance. Last evaluated: 2018-06-04. Review status: criteria provided, single submitter. Criteria: GeneDx Variant Classification (06012015). Collection method: clinical testing. Allele origin: germline. Affected: yes.
Comment: This variant is denoted BRCA2 c.1709A>G at the cDNA level, p.Asn570Ser (N570S) at the protein level, and results in the change of an Asparagine to a Serine (AAT>AGT). Using alternate nomenclature, this variant would be defined as BRCA2 1937A>G. This variant has been reported in at least one individual with breast cancer (Briceno-Balcazar 2017). BRCA2 Asn570Ser was not observed in large population cohorts (Lek 2016). This variant is not located in a known functional domain. In silico analysis, which includes protein predictors and evolutionary conservation, supports that this variant does not alter protein structure/function. Based on currently available evidence, it is unclear whether BRCA2 Asn570Ser is a pathogenic or benign variant. We consider it to be a variant of uncertain significance.

Sharing Clinical Reports Project (SCRP)
Classification: Uncertain significance for Breast-ovarian cancer, familial 2. Last evaluated: 2010-04-28. Review status: no assertion criteria provided. Collection method: clinical testing. Allele origin: germline. Not counted in ClinVar's aggregate classification.

Department of Pathology and Laboratory Medicine, Sinai Health System
Classification: Uncertain significance for Breast-ovarian cancer, familial, susceptibility to, 2. Review status: no assertion criteria provided. Collection method: clinical testing. Allele origin: unknown. Affected: yes. Study: The Canadian Open Genetics Repository (COGR). Not counted in ClinVar's aggregate classification.
Comment: The p.Asn570Ser variant was not identified in the literature nor was it identified in the BIC, LOVD, UMD, Google, Cosmic, HGMD databases.The variant was identified in ClinVar and was classified as an uncertain variant by the Sharing Clinical Reports Project (SCRP) (submitted within the ClinVar database and derived from Myriad reports). The p.Asn570 residue is not conserved in mammals and computational analyses (SIFT, AlignGVGD, BLOSUM) do not suggest a high likelihood of impact to the protein. However, this information is not predictive enough to rule out pathogenicity. In addition, in silico or computational prediction software programs (SpliceSiteFinder, MaxEntScan, NNSPLICE, GeneSplicer, HumanSpliceFinder) do not predict a signifcant difference in splicing. In summary, based on the above information, the clinical significance of this variant cannot be determined with certainty at this time. This variant is classified as a variant of unknown significance.

Literature cited by the submitters: PubMed 29021639 (cited by 4 submitters); PubMed 33471991 (cited by Color Diagnostics, LLC DBA Color Health).

NM_000059.4(BRCA2):c.1709A>G (p.Asn570Ser)

Gene: BRCA2 (BRCA2 DNA repair associated; plus strand). Cytogenetic location: 13q13.1.
Variant type: single nucleotide variant.
Coding change: c.1709A>G on transcript NM_000059.4 (MANE Select); coding-DNA position 1709, A replaced by G.
Protein change: p.Asn570Ser; replaces asparagine 570 with serine.
Molecular consequence: missense variant.
Genome position (GRCh38, 1-based): chr13:32,333,187, A>G. VCF-style: chr13-32333187-A-G. GRCh37 (hg19) VCF-style: chr13-32907324-A-G.
Other names: 1937A>G; short protein forms N570S.
Identifiers: ClinVar variation 96768 (VCV000096768.21), dbSNP rs431825284, ClinGen allele CA012963.